The following is an entry in ClinVar:

NM_007194.4(CHEK2):c.1045A>G (p.Lys349Glu)

Gene: CHEK2 (checkpoint kinase 2; minus strand). Cytogenetic location: 22q12.1.
Variant type: single nucleotide variant.
Coding change: c.1045A>G on transcript NM_007194.4 (MANE Select); coding-DNA position 1045, A replaced by G.
Protein change: p.Lys349Glu; replaces lysine 349 with glutamic acid.
Molecular consequence: missense variant. On other transcripts: intron variant (3).
Genome position (GRCh38, 1-based): chr22:28,696,951, T>C on the plus strand (A>G on the coding strand, the complement: CHEK2 is on the minus strand). VCF-style: chr22-28696951-T-C. GRCh37 (hg19) VCF-style: chr22-29092939-T-C.
Other names: p.K349E:AAG>GAG; c.1174A>G, p.Lys392Glu (NM_001005735.3); c.382A>G, p.Lys128Glu (NM_001257387.3, NM_001437942.1); c.844A>G, p.Lys282Glu (NM_001349956.3); c.1138A>G, p.Lys380Glu (NM_001438293.1); c.1009-1078A>G (NM_145862.3); c.1102-1078A>G (NM_001438295.1); c.1138-1078A>G (NM_001438294.1); short protein forms K349E, K392E, K128E, K282E, K380E.
Identifiers: ClinVar variation 182433 (VCV000182433.15), dbSNP rs730881689, ClinGen allele CA299078.
Genomic context (GRCh38, chr22:28,696,951, plus strand): 5'-AATTTCTTACCTTTATAAGACAGTCCTCTTCTTGAGATGACAGTAAAACATTCTCTGGCT[T>C]TAAGTCACGGTGTATAATACCGTTTTCATGAAGGTACTACACAGAAAGGCAGGCATGACC-3'
Protein context (NP_009125.1, residues 339-359): HENGIIHRDL[Lys349Glu]PENVLLSSQE

ClinVar aggregate classification (germline): Uncertain significance. Review status: criteria provided, multiple submitters, no conflicts (2 of 4 stars). 3 submissions from 3 submitters: Uncertain significance (3). Last evaluated 2017-07-19.

Conditions:
Hereditary cancer-predisposing syndrome. Also called: Tumor predisposition; Hereditary Cancer Syndrome; Hereditary neoplastic syndrome; Neoplastic Syndromes, Hereditary. Identifiers: Orphanet 140162, MedGen C0027672, MeSH D009386, MONDO:0015356.
Familial cancer of breast. Also called: BREAST CANCER, FAMILIAL; Hereditary breast cancer; hereditary breast carcinoma. Identifiers: Orphanet 227535, MedGen C0346153, MONDO:0016419, OMIM 114480. Disease mechanism: loss of function.

Submissions (3):

Labcorp Genetics (formerly Invitae), Labcorp
Classification: Uncertain significance for Familial cancer of breast. Last evaluated: 2017-07-19. Review status: criteria provided, single submitter. Criteria: Invitae Variant Classification Sherloc (09022015). Collection method: clinical testing. Allele origin: germline.
Comment: This sequence change replaces lysine with glutamic acid at codon 349 of the CHEK2 protein (p.Lys349Glu). The lysine residue is highly conserved and there is a small physicochemical difference between lysine and glutamic acid. This variant is not present in population databases (ExAC no frequency). This variant has been reported in four individuals affected with triple-negative breast cancer (PMID: 28135048). ClinVar contains an entry for this variant (Variation ID: 182433). Algorithms developed to predict the effect of missense changes on protein structure and function do not agree on the potential impact of this missense change (SIFT: "Deleterious"; PolyPhen-2: "Probably Damaging"; Align-GVGD: "Class C0"). Algorithms developed to predict the effect of sequence changes on RNA splicing suggest that this variant may create or strengthen a splice site, but this prediction has not been confirmed by published transcriptional studies. In summary, the available evidence is currently insufficient to determine the role of this variant in disease. Therefore, it has been classified as a Variant of Uncertain Significance.

Ambry Genetics
Classification: Uncertain significance for Hereditary cancer-predisposing syndrome. Last evaluated: 2017-03-27. Review status: criteria provided, single submitter. Criteria: Ambry Variant Classification Scheme 2023. Collection method: clinical testing. Allele origin: germline.
Comment: The p.K349E variant (also known as c.1045A>G), located in coding exon 9 of the CHEK2 gene, results from an A to G substitution at nucleotide position 1045. The lysine at codon 349 is replaced by glutamic acid, an amino acid with similar properties. This amino acid position is highly conserved in available vertebrate species. In addition, this alteration is predicted to be deleterious by in silico analysis. Since supporting evidence is limited at this time, the clinical significance of this alteration remains unclear.

GeneDx
Classification: Uncertain significance. Last evaluated: 2016-05-16. Review status: criteria provided, single submitter. Criteria: GeneDx Variant Classification (06012015). Collection method: clinical testing. Allele origin: germline. Affected: yes.
Comment: This variant is denoted CHEK2 c.1045A>G at the cDNA level, p.Lys349Glu (K349E) at the protein level, and results in the change of a Lysine to a Glutamic Acid (AAG>GAG). This variant has not, to our knowledge, been published in the literature as pathogenic or benign. CHEK2 Lys349Glu was not observed in approximately 6,500 individuals of European and African American ancestry in the NHLBI Exome Sequencing Project, suggesting it is not a common benign variant in these populations. Since Lysine and Glutamic Acid differ in polarity, charge, size or other properties, this is considered a non-conservative amino acid substitution. CHEK2 Lys349Glu occurs at a position that is conserved across species and is located in the protein kinase domain (Desrichard 2011, Roeb 2012). In silico analyses predict that this variant is probably damaging to protein structure and function. Based on currently available evidence, it is unclear whether CHEK2 Lys349Glu is a pathogenic or benign variant. We consider it to be a variant of uncertain significance.

Literature cited by the submitters: PubMed 28135048 (cited by Labcorp Genetics (formerly Invitae), Labcorp).